The following is an entry in ClinVar:

NM_000179.3(MSH6):c.2335T>G (p.Cys779Gly)

Gene: MSH6 (mutS homolog 6; plus strand). Cytogenetic location: 2p16.3.
Variant type: single nucleotide variant.
Coding change: c.2335T>G on transcript NM_000179.3 (MANE Select); coding-DNA position 2335, T replaced by G.
Protein change: p.Cys779Gly; replaces cysteine 779 with glycine.
Molecular consequence: missense variant.
Genome position (GRCh38, 1-based): chr2:47,800,318, T>G. VCF-style: chr2-47800318-T-G. GRCh37 (hg19) VCF-style: chr2-48027457-T-G.
Other names: c.1945T>G, p.Cys649Gly (NM_001281492.2); c.1429T>G, p.Cys477Gly (NM_001281493.2, NM_001281494.2); short protein forms C477G, C649G, C779G.
Identifiers: ClinVar variation 853852 (VCV000853852.10), dbSNP rs1320505279, ClinGen allele CA346753397.

ClinVar aggregate classification (germline): Uncertain significance (1 of 4 stars; one submission).

Conditions:
Hereditary nonpolyposis colorectal neoplasms. Identifiers: MedGen C0009405, MeSH D003123.

Submission:

Labcorp Genetics (formerly Invitae), Labcorp
Classification: Uncertain significance for Hereditary nonpolyposis colorectal neoplasms. Last evaluated: 2019-03-18. Review status: criteria provided, single submitter. Criteria: Invitae Variant Classification Sherloc (09022015). Collection method: clinical testing. Allele origin: germline.
Comment: In summary, the available evidence is currently insufficient to determine the role of this variant in disease. Therefore, it has been classified as a Variant of Uncertain Significance. Algorithms developed to predict the effect of missense changes on protein structure and function are either unavailable or do not agree on the potential impact of this missense change (SIFT: "Deleterious"; PolyPhen-2: "Probably Damaging"; Align-GVGD: "Class C0"). This variant has not been reported in the literature in individuals with MSH6-related conditions. This variant is not present in population databases (ExAC no frequency). This sequence change replaces cysteine with glycine at codon 779 of the MSH6 protein (p.Cys779Gly). The cysteine residue is highly conserved and there is a large physicochemical difference between cysteine and glycine.